The following is an entry in ClinVar:

NM_004629.2(FANCG):c.1604dup (p.Asp536fs)

Gene: FANCG (FA complementation group G; minus strand). Cytogenetic location: 9p13.3.
Variant type: Duplication.
Coding change: c.1604dup on transcript NM_004629.2 (MANE Select); coding-DNA position 1604, one base duplicated (A; older notation c.1604dupA).
Protein change: p.Asp536fs; shifts the reading frame from aspartic acid 536.
Molecular consequence: frameshift variant.
Genome position (GRCh38, 1-based): chr9:35,074,959, T duplicated on the plus strand (A on the coding strand, the reverse complement: FANCG is on the minus strand). VCF-style (leftmost placement, unchanged base first): chr9-35074958-C-CT. GRCh37 (hg19) VCF-style: chr9-35074955-C-CT.
Other names: short protein forms D536fs.
Identifiers: ClinVar variation 2835208 (VCV002835208.3), dbSNP rs2490395703, ClinGen allele CA2739269188.

ClinVar aggregate classification (germline): Pathogenic (1 of 4 stars; one submission).

Conditions:
Fanconi anemia (FA). Also called: Fanconi's anemia. Identifiers: Orphanet 84, MedGen C0015625, MeSH D005199, MONDO:0019391.

Submission:

Labcorp Genetics (formerly Invitae), Labcorp
Classification: Pathogenic for Fanconi anemia. Last evaluated: 2023-02-14. Review status: criteria provided, single submitter. Criteria: Invitae Variant Classification Sherloc (09022015). Collection method: clinical testing. Allele origin: germline.
Comment: For these reasons, this variant has been classified as Pathogenic. This variant has not been reported in the literature in individuals affected with FANCG-related conditions. This variant is not present in population databases (gnomAD no frequency). This sequence change creates a premature translational stop signal (p.Asp536Glyfs*12) in the FANCG gene. It is expected to result in an absent or disrupted protein product. Loss-of-function variants in FANCG are known to be pathogenic (PMID: 12552564).

Literature cited by the submitters: PubMed 12552564.